The following is an entry in ClinVar:

NM_001080414.4(CCDC88C):c.1982T>C (p.Val661Ala)

Gene: CCDC88C (coiled-coil and HOOK domain protein 88C; minus strand). Cytogenetic location: 14q32.11.
Variant type: single nucleotide variant.
Coding change: c.1982T>C on transcript NM_001080414.4 (MANE Select); coding-DNA position 1982, T replaced by C.
Protein change: p.Val661Ala; replaces valine 661 with alanine.
Molecular consequence: missense variant.
Genome position (GRCh38, 1-based): chr14:91,313,834, A>G on the plus strand (T>C on the coding strand, the complement: CCDC88C is on the minus strand). VCF-style: chr14-91313834-A-G. GRCh37 (hg19) VCF-style: chr14-91780178-A-G.
Other names: short protein forms V661A.
Identifiers: ClinVar variation 1968723 (VCV001968723.5), dbSNP rs1359790738, ClinGen allele CA390632458.

ClinVar aggregate classification (germline): Uncertain significance (1 of 4 stars; one submission).

Allele frequency attached by ClinVar (database versions not stated): TOPMed below 0.00001; gnomAD 0.00001; gnomAD exomes 0.00001.
gnomAD v4.1: 4 of 1,597,902 alleles (0.00025%); highest among the groups gnomAD compares: Non-Finnish European, 0.00034%; no homozygotes.

Submission:

Labcorp Genetics (formerly Invitae), Labcorp
Classification: Uncertain significance. Last evaluated: 2022-06-23. Review status: criteria provided, single submitter. Criteria: Invitae Variant Classification Sherloc (09022015). Collection method: clinical testing. Allele origin: germline.
Comment: This sequence change replaces valine, which is neutral and non-polar, with alanine, which is neutral and non-polar, at codon 661 of the CCDC88C protein (p.Val661Ala). This variant is present in population databases (no rsID available, gnomAD 0.0009%). This variant has not been reported in the literature in individuals affected with CCDC88C-related conditions. Algorithms developed to predict the effect of missense changes on protein structure and function output the following: SIFT: "Tolerated"; PolyPhen-2: "Benign"; Align-GVGD: "Class C0". The alanine amino acid residue is found in multiple mammalian species, which suggests that this missense change does not adversely affect protein function. In summary, the available evidence is currently insufficient to determine the role of this variant in disease. Therefore, it has been classified as a Variant of Uncertain Significance.